The following is an entry in ClinVar:

ClinVar aggregate classification (germline): Pathogenic (1 of 4 stars; one submission).

Conditions:
Fanconi anemia (FA). Also called: Fanconi's anemia. Identifiers: Orphanet 84, MedGen C0015625, MeSH D005199, MONDO:0019391.

Submission:

Labcorp Genetics (formerly Invitae), Labcorp
Classification: Pathogenic for Fanconi anemia. Last evaluated: 2023-01-22. Review status: criteria provided, single submitter. Criteria: Invitae Variant Classification Sherloc (09022015). Collection method: clinical testing. Allele origin: germline.
Comment: This sequence change creates a premature translational stop signal (p.Ala1419Glnfs*14) in the FANCA gene. While this is not anticipated to result in nonsense mediated decay, it is expected to disrupt the last 37 amino acid(s) of the FANCA protein. This variant is not present in population databases (gnomAD no frequency). This variant has not been reported in the literature in individuals affected with FANCA-related conditions. ClinVar contains an entry for this variant (Variation ID: 1403570). Algorithms developed to predict the effect of sequence changes on RNA splicing suggest that this variant may create or strengthen a splice site. This variant disrupts a region of the FANCA protein in which other variant(s) (p.Asp1427Thrfs*6) have been determined to be pathogenic (PMID: 11091222; Invitae). This suggests that this is a clinically significant region of the protein, and that variants that disrupt it are likely to be disease-causing. For these reasons, this variant has been classified as Pathogenic.

Literature cited by the submitters: PubMed 11091222.

NM_000135.4(FANCA):c.4255del (p.Ala1419fs)

Genes: FANCA (FA complementation group A; minus strand), ZNF276 (zinc finger protein 276; plus strand). Cytogenetic location: 16q24.3.
Variant type: Deletion.
Coding change: c.4255del on transcript NM_000135.4 (MANE Select); coding-DNA position 4255, one base deleted (G; older notation c.4255delG).
Protein change: p.Ala1419fs; shifts the reading frame from alanine 1419.
Molecular consequence: frameshift variant. On other transcripts: 3 prime UTR variant (2), non-coding transcript variant (4).
Genome position (GRCh38, 1-based): chr16:89,738,887, C deleted on the plus strand (G on the coding strand, the reverse complement: FANCA is on the minus strand); the first of 2 consecutive C bases (chr16:89,738,887-89,738,888); deleting either gives the same sequence. VCF-style (leftmost placement, unchanged base first): chr16-89738886-GC-G. GRCh37 (hg19) VCF-style: chr16-89805294-GC-G.
Other names: c.4259del, p.Gly1420fs (NM_001286167.3); c.*642del (NM_001113525.2, NM_152287.4); short protein forms A1419fs, G1420fs.
Identifiers: ClinVar variation 1403570 (VCV001403570.6), dbSNP rs2151710687, ClinGen allele CA2573152886.